The following is an entry in ClinVar:

ClinVar aggregate classification (germline): Uncertain significance (1 of 4 stars; one submission).

Submission:

Labcorp Genetics (formerly Invitae), Labcorp
Classification: Uncertain significance. Last evaluated: 2022-09-01. Review status: criteria provided, single submitter. Criteria: Invitae Variant Classification Sherloc (09022015). Collection method: clinical testing. Allele origin: germline.
Comment: This sequence change replaces glycine, which is neutral and non-polar, with arginine, which is basic and polar, at codon 154 of the CFAP410 protein (p.Gly154Arg). This variant is not present in population databases (gnomAD no frequency). This variant has not been reported in the literature in individuals affected with CFAP410-related conditions. ClinVar contains an entry for this variant (Variation ID: 1369554). Algorithms developed to predict the effect of missense changes on protein structure and function output the following: SIFT: "Tolerated"; PolyPhen-2: "Benign"; Align-GVGD: "Class C0". The arginine amino acid residue is found in multiple mammalian species, which suggests that this missense change does not adversely affect protein function. In summary, the available evidence is currently insufficient to determine the role of this variant in disease. Therefore, it has been classified as a Variant of Uncertain Significance.

NM_004928.3(CFAP410):c.460G>C (p.Gly154Arg)

Gene: CFAP410 (cilia and flagella associated protein 410; minus strand). Cytogenetic location: 21q22.3.
Variant type: single nucleotide variant.
Coding change: c.460G>C on transcript NM_004928.3 (MANE Select); coding-DNA position 460, G replaced by C.
Protein change: p.Gly154Arg; replaces glycine 154 with arginine.
Molecular consequence: missense variant.
Genome position (GRCh38, 1-based): chr21:44,331,928, C>G on the plus strand (G>C on the coding strand, the complement: CFAP410 is on the minus strand). VCF-style: chr21-44331928-C-G. GRCh37 (hg19) VCF-style: chr21-45751811-C-G.
Other names: c.460G>C, p.Gly154Arg (NM_001271440.2, NM_001271441.2); c.337G>C, p.Gly113Arg (NM_001271442.1); short protein forms G154R, G113R.
Identifiers: ClinVar variation 1369554 (VCV001369554.3), dbSNP rs377579876, ClinGen allele CA410454018.